The following is an entry in ClinVar:

ClinVar aggregate classification (germline): Pathogenic. Review status: criteria provided, single submitter (1 of 4 stars). 2 submissions from 2 submitters: Pathogenic (1). 1 of the submissions does not count toward it. Last evaluated 2023-03-14.

Conditions:
Hypotrichosis with juvenile macular dystrophy.

Submissions (2):

Institute for Clinical Genetics, University Hospital TU Dresden, University Hospital TU Dresden
Classification: Pathogenic. Last evaluated: 2023-03-14. Review status: criteria provided, single submitter. Criteria: ACMG Guidelines, 2015. Collection method: clinical testing. Allele origin: germline.
Comment: PVS1, PM2_SUP, PM3

Sharon lab, Hadassah-Hebrew University Medical Center
Classification: Pathogenic for Hypotrichosis with juvenile macular dystrophy. Last evaluated: 2019-06-23. Review status: no assertion criteria provided. Collection method: research. Allele origin: inherited. Affected: yes. Not counted in ClinVar's aggregate classification.

NM_001793.6(CDH3):c.747C>A (p.Tyr249Ter)

Gene: CDH3 (cadherin 3; plus strand). Cytogenetic location: 16q22.1.
Variant type: single nucleotide variant.
Coding change: c.747C>A on transcript NM_001793.6 (MANE Select); coding-DNA position 747, C replaced by A.
Protein change: p.Tyr249Ter; replaces tyrosine 249 with a stop codon.
Molecular consequence: nonsense.
Genome position (GRCh38, 1-based): chr16:68,679,854, C>A. VCF-style: chr16-68679854-C-A. GRCh37 (hg19) VCF-style: chr16-68713757-C-A.
Other names: c.747C>A, p.Tyr249Ter (NM_001317195.3); c.582C>A, p.Tyr194Ter (NM_001317196.2); short protein forms Y194*, Y249*.
Identifiers: ClinVar variation 812255 (VCV000812255.3), dbSNP rs1597807758, ClinGen allele CA396450141.